The following is an entry in ClinVar:

NM_021942.6(TRAPPC11):c.2672C>T (p.Ala891Val)

Gene: TRAPPC11 (trafficking protein particle complex subunit 11; plus strand). Cytogenetic location: 4q35.1.
Variant type: single nucleotide variant.
Coding change: c.2672C>T on transcript NM_021942.6 (MANE Select); coding-DNA position 2672, C replaced by T.
Protein change: p.Ala891Val; replaces alanine 891 with valine.
Molecular consequence: missense variant.
Genome position (GRCh38, 1-based): chr4:183,697,546, C>T. VCF-style: chr4-183697546-C-T. GRCh37 (hg19) VCF-style: chr4-184618699-C-T.
Other names: c.2672C>T (NM_021942.5); c.2672C>T, p.Ala891Val (NM_199053.3); short protein forms A891V.
Identifiers: ClinVar variation 1056458 (VCV001056458.10), dbSNP rs764114529, ClinGen allele CA111861229.

ClinVar aggregate classification (germline): Uncertain significance. Review status: criteria provided, multiple submitters, no conflicts (2 of 4 stars). 2 submissions from 2 submitters: Uncertain significance (2). Last evaluated 2025-10-14.

Conditions:
Autosomal recessive limb-girdle muscular dystrophy type R18 (LGMDR18). Also called: Limb-girdle muscular dystrophy, type 2S; MUSCULAR DYSTROPHY, LIMB-GIRDLE, AUTOSOMAL RECESSIVE 18; Autosomal recessive limb-girdle muscular dystrophy type 2S. Identifiers: Orphanet 369840, MedGen C4517996, MONDO:0014144, OMIM 615356.

Allele frequency attached by ClinVar (database versions not stated): gnomAD 0.00001; TOPMed 0.00002.
gnomAD v4.1: 16 of 1,603,082 alleles (0.001%); highest among the groups gnomAD compares: South Asian, 0.012%; no homozygotes.

Submissions (2):

GeneDx
Classification: Uncertain significance. Last evaluated: 2025-10-14. Review status: criteria provided, single submitter. Criteria: GeneDx Variant Classification Process June 2021. Collection method: clinical testing. Allele origin: germline.
Comment: Not observed at significant frequency in large population cohorts (gnomAD); In silico analysis suggests that this missense variant does not alter protein structure/function; Has not been previously published as pathogenic or benign to our knowledge

Labcorp Genetics (formerly Invitae), Labcorp
Classification: Uncertain significance for Autosomal recessive limb-girdle muscular dystrophy type R18. Last evaluated: 2022-05-12. Review status: criteria provided, single submitter. Criteria: Invitae Variant Classification Sherloc (09022015). Collection method: clinical testing. Allele origin: germline.
Comment: In summary, the available evidence is currently insufficient to determine the role of this variant in disease. Therefore, it has been classified as a Variant of Uncertain Significance. Algorithms developed to predict the effect of missense changes on protein structure and function are either unavailable or do not agree on the potential impact of this missense change (SIFT: "Tolerated"; PolyPhen-2: "Possibly Damaging"; Align-GVGD: "Class C0"). ClinVar contains an entry for this variant (Variation ID: 1056458). This variant has not been reported in the literature in individuals affected with TRAPPC11-related conditions. This variant is present in population databases (no rsID available, gnomAD 0.004%). This sequence change replaces alanine, which is neutral and non-polar, with valine, which is neutral and non-polar, at codon 891 of the TRAPPC11 protein (p.Ala891Val).